The following is an entry in ClinVar:

NM_000368.5(TSC1):c.153A>C (p.Glu51Asp)

Gene: TSC1 (TSC complex subunit 1; minus strand). Cytogenetic location: 9q34.13.
Variant type: single nucleotide variant.
Coding change: c.153A>C on transcript NM_000368.5 (MANE Select); coding-DNA position 153, A replaced by C.
Protein change: p.Glu51Asp; replaces glutamic acid 51 with aspartic acid.
Molecular consequence: missense variant. On other transcripts: intron variant (1).
Genome position (GRCh38, 1-based): chr9:132,927,258, T>G on the plus strand (A>C on the coding strand, the complement: TSC1 is on the minus strand). VCF-style: chr9-132927258-T-G. GRCh37 (hg19) VCF-style: chr9-135802645-T-G.
Other names: c.153A>C, p.Glu51Asp (NM_001162426.2, NM_001162427.2); c.-154+1509A>C (NM_001362177.2); short protein forms E51D.
Identifiers: ClinVar variation 48800 (VCV000048800.23), dbSNP rs118203342, ClinGen allele CA005036.

ClinVar aggregate classification (germline): Conflicting classifications of pathogenicity. Review status: criteria provided, conflicting classifications (1 of 4 stars). 9 submissions from 9 submitters: Uncertain significance (3); Benign (1); Likely benign (4). 1 of the submissions does not count toward it. Last evaluated 2026-01-13.

Conditions:
TSC1-related disorder. Also called: TSC1-related condition.
Hereditary cancer-predisposing syndrome. Also called: Hereditary Cancer Syndrome; Neoplastic Syndromes, Hereditary; Hereditary neoplastic syndrome; Tumor predisposition. Identifiers: Orphanet 140162, MedGen C0027672, MeSH D009386, MONDO:0015356.
Tuberous sclerosis syndrome (TSC). Also called: Tuberous Sclerosis Complex; Tuberous sclerosis. Identifiers: Orphanet 805, MedGen C0041341, MONDO:0001734.
Tuberous sclerosis 1 (TSC1). Identifiers: Orphanet 805, MedGen C1854465, MONDO:0008612, OMIM 191100.

Allele frequency attached by ClinVar (database versions not stated): gnomAD exomes below 0.00001 and 0.00001; gnomAD 0.00001; TOPMed 0.00002.
gnomAD v4.1: 16 of 1,613,956 alleles (0.00099%); highest among the groups gnomAD compares: Non-Finnish European, 0.0014%; no homozygotes.

Submissions (9):

Labcorp Genetics (formerly Invitae), Labcorp
Classification: Likely benign for Tuberous sclerosis 1. Last evaluated: 2026-01-13. Review status: criteria provided, single submitter. Criteria: Invitae Variant Classification Sherloc (09022015). Collection method: clinical testing. Allele origin: germline.

PreventionGenetics, part of Exact Sciences
Classification: Likely benign for TSC1-related condition. Last evaluated: 2026-01-12. Review status: criteria provided, single submitter. Criteria: ACMG Guidelines, 2015. Collection method: clinical testing. Allele origin: germline.
Comment: This variant is classified as likely benign based on ACMG/AMP sequence variant interpretation guidelines (Richards et al. 2015 PMID: 25741868, with internal and published modifications).

Women's Health and Genetics/Laboratory Corporation of America, LabCorp
Classification: Likely benign. Last evaluated: 2025-07-29. Review status: criteria provided, single submitter. Criteria: LabCorp Variant Classification Summary - May 2015. Collection method: clinical testing. Allele origin: germline.
Comment: Variant summary: TSC1 c.153A>C (p.Glu51Asp) results in a conservative amino acid change in the encoded protein sequence. Algorithms developed to predict the effect of missense changes on protein structure and function are either unavailable or do not agree on the potential impact of this missense change. The variant allele was found at a frequency of 1e-05 in 1606962 control chromosomes, predominantly at a frequency of 1.4e-05 (i.e. 16 carriers) within the Non-Finnish European subpopulation in the gnomAD database. The occurrence in several carriers suggests that this variant is likely not associated with a high penetrance, severe, early onset disease phenotype in heterozygous state. The variant has been reported as a (likely) polymorphism found in cohorts of individuals affected with Tuberous Sclerosis Complex (e.g. van Slegtenhorst_1999). At least one publication reports experimental evidence evaluating an impact on protein function, and the results showed no damaging effect of this variant (Mozaffari_2009). The following publications have been ascertained in the context of this evaluation (PMID: 19747374, 10227394). ClinVar contains an entry for this variant (Variation ID: 48800). Based on the evidence outlined above, the variant was classified as likely benign.

All of Us Research Program, National Institutes of Health
Classification: Uncertain significance for Tuberous sclerosis syndrome. Last evaluated: 2024-06-11. Review status: criteria provided, single submitter. Criteria: ACMG Guidelines, 2015. Collection method: clinical testing. Allele origin: germline. Inheritance: Autosomal dominant inheritance. Observed: 4 variant alleles, 4 heterozygotes.
Comment: This study involves interpretation of variants in research participants for the purpose of population health screening. Participant phenotype was not available at the time of variant classification. Additional details can be found in publication PMID: 35346344, PMCID: PMC8962531

GeneDx
Classification: Uncertain significance. Last evaluated: 2024-02-01. Review status: criteria provided, single submitter. Criteria: GeneDx Variant Classification Process June 2021. Collection method: clinical testing. Allele origin: germline. Affected: yes.
Comment: In silico analysis supports that this missense variant does not alter protein structure/function; This variant is associated with the following publications: (PMID: 19747374)

Genome-Nilou Lab
Classification: Benign for Tuberous sclerosis 1. Last evaluated: 2021-11-07. Review status: criteria provided, single submitter. Criteria: ACMG Guidelines, 2015. Collection method: clinical testing. Allele origin: germline. Affected: no.

Sema4
Classification: Uncertain significance for Hereditary cancer-predisposing syndrome. Last evaluated: 2021-10-21. Review status: criteria provided, single submitter. Criteria: Sema4 Curation Guidelines. Collection method: curation. Allele origin: germline.
Comment: The TSC1 c.153A>C (p.E51D) variant has been reported in individuals with tuberous sclerosis complex (PMID: 10227394, 19747374). In at least one patient a pathogenic TSC2 variant was also identified which is more likely to explain the disease phenotype (PMID: 19747374). It was observed in 1/113700 chromosomes of the Non-Finnish European subpopulation in the large and broad cohorts of the Genome Aggregation Database (PMID: 32461654). The variant has been reported in ClinVar (Variation ID 48800). Functional studies demonstrated the normal function of the protein (PMID: 19747374, 21309039). There is no indication that this variant causes disease, but the evidence is insufficient currently to prove that conclusively. Thus, the clinical significance of this variant is currently uncertain.

Ambry Genetics
Classification: Likely benign for Hereditary cancer-predisposing syndrome. Last evaluated: 2019-02-21. Review status: criteria provided, single submitter. Criteria: Ambry Variant Classification Scheme 2023. Collection method: clinical testing. Allele origin: germline.

Tuberous sclerosis database (TSC1)
No classification provided. Condition: TSC. Review status: no classification provided. Criteria: Tuberous Sclerosis Database Assertion Criteria 2015. Collection method: curation. Allele origin: germline. Affected: yes. Not counted in ClinVar's aggregate classification.

Literature cited by the submitters: PubMed 19747374 (cited by 3 submitters); PubMed 10227394 (cited by 3 submitters); PubMed 21309039 (cited by Sema4 and Ambry Genetics); PubMed 15798777 (cited by Ambry Genetics).